The following is an entry in ClinVar:

ClinVar aggregate classification (germline): Pathogenic/Likely pathogenic. Review status: criteria provided, multiple submitters, no conflicts (2 of 4 stars). 4 submissions from 4 submitters: Pathogenic (2); Likely pathogenic (2). Last evaluated 2024-12-27.

Conditions:
Glycogen storage disease, type II (IOPD). Also called: CARDIOMEGALIA GLYCOGENICA DIFFUSA; GLYCOGENOSIS, GENERALIZED, CARDIAC FORM; GSD II; Glycogen storage disease type 2; Acid maltase deficiency disease; Aglucosidase alfa. Identifiers: Orphanet 365, MedGen C0017921, MONDO:0009290, OMIM 232300.

Submissions (4):

Natera, Inc.
Classification: Likely pathogenic for Glycogen storage disease type II. Last evaluated: 2024-12-27. Review status: criteria provided, single submitter. Criteria: Natera Variant Classification Schema (03/2026). Collection method: clinical testing. Allele origin: germline.
Comment: The c.1976_1977del variant in GAA is a frameshift variant predicted to shift the reading frame beginning at codon 659 and leads to a stop codon 77 codons downstream. This variant is expected to result in nonsense mediated decay, truncation, or a dysfunctional protein product. This variant is rare in the general population with a frequency below the threshold expected for the associated phenotype(s). Given the available evidence, this variant is classified as Likely Pathogenic.

Myriad Genetics, Inc.
Classification: Pathogenic for Glycogen storage disease, type II. Last evaluated: 2024-07-12. Review status: criteria provided, single submitter. Criteria: Myriad Autosomal Dominant, Autosomal Recessive and X-Linked Classification Criteria (2023). Collection method: clinical testing. Allele origin: unknown.
Comment: NM_000152.3(GAA):c.1976_1977delTG(V659Afs*77) is expected to be pathogenic in the context of Pompe disease. This variant is predicted to lead to an abnormal or absent protein product due to the creation of a premature termination codon in GAA, a gene where loss-of-function variants are known to be pathogenic. Please note: this variant was assessed in the context of healthy population screening.

Revvity Omics, Revvity
Classification: Likely pathogenic. Last evaluated: 2022-03-03. Review status: criteria provided, single submitter. Criteria: ACMG Guidelines, 2015. Collection method: clinical testing. Allele origin: germline.

Labcorp Genetics (formerly Invitae), Labcorp
Classification: Pathogenic for Glycogen storage disease, type II. Last evaluated: 2022-01-10. Review status: criteria provided, single submitter. Criteria: Invitae Variant Classification Sherloc (09022015). Collection method: clinical testing. Allele origin: germline.
Comment: For these reasons, this variant has been classified as Pathogenic. This variant has not been reported in the literature in individuals affected with GAA-related conditions. This variant is not present in population databases (gnomAD no frequency). This sequence change creates a premature translational stop signal (p.Val659Alafs*77) in the GAA gene. It is expected to result in an absent or disrupted protein product. Loss-of-function variants in GAA are known to be pathogenic (PMID: 18425781, 22252923).

Literature cited by the submitters: PubMed 18425781 (cited by Labcorp Genetics (formerly Invitae), Labcorp); PubMed 22252923 (cited by Labcorp Genetics (formerly Invitae), Labcorp).

NM_000152.5(GAA):c.1976_1977del (p.Val659fs)

Gene: GAA (alpha glucosidase; plus strand). Cytogenetic location: 17q25.3.
Variant type: Microsatellite.
Coding change: c.1976_1977del on transcript NM_000152.5 (MANE Select); coding-DNA positions 1976 to 1977, 2 bases deleted (TG; older notation c.1976_1977delTG).
Protein change: p.Val659fs; shifts the reading frame from valine 659.
Molecular consequence: frameshift variant.
Genome position (GRCh38, 1-based): chr17:80,112,963-80,112,964, TG deleted; deleting any 2 consecutive bases within chr17:80,112,957-80,112,964 gives the same sequence; the c. name uses the placement nearest the transcript's 3' end. VCF-style (leftmost placement, unchanged base first): chr17-80112956-CTG-C. GRCh37 (hg19) VCF-style: chr17-78086755-CTG-C.
Other names: c.1976_1977del, p.Val659fs (NM_001079803.3, NM_001079804.3); c.1976_1977del (NM_000152.4); short protein forms V659fs.
Identifiers: ClinVar variation 1072307 (VCV001072307.15), dbSNP rs2143892473, ClinGen allele CA2576414195.
Genomic context (GRCh38, chr17:80,112,956, plus strand): 5'-CTGGGGGTGCCTCTGGTCGGGGCCGACGTCTGCGGCTTCCTGGGCAACACCTCAGAGGAG[CTG>C]TGTGTGCGCTGGACCCAGCTGGGGGCCTTCTACCCCTTCATGCGGAACCACAACAGCCTG-3'